The following is an entry in ClinVar:

NM_001387690.1(KATNAL2):c.1124G>A (p.Arg375Gln)

Gene: KATNAL2 (katanin catalytic subunit A1 like 2; plus strand). Cytogenetic location: 18q21.1.
Variant type: single nucleotide variant.
Coding change: c.1124G>A on transcript NM_001387690.1 (MANE Select); coding-DNA position 1124, G replaced by A.
Protein change: p.Arg375Gln; replaces arginine 375 with glutamine.
Molecular consequence: missense variant. On other transcripts: non-coding transcript variant (1).
Genome position (GRCh38, 1-based): chr18:47,077,374, G>A. VCF-style: chr18-47077374-G-A. GRCh37 (hg19) VCF-style: chr18-44603745-G-A.
Other names: c.1202G>A, p.Arg401Gln (NM_001353899.1); c.1199G>A, p.Arg400Gln (NM_001353900.1); c.1124G>A, p.Arg375Gln (NM_001353901.1, NM_001367621.1); c.1103G>A, p.Arg368Gln (NM_001353902.1); c.791G>A, p.Arg264Gln (NM_001353903.1, NM_001353905.1, NM_001353906.1 and 1 more transcripts); c.692G>A, p.Arg231Gln (NM_001353904.1, NM_001353908.1, NM_001353909.1); c.908G>A, p.Arg303Gln (NM_031303.3); short protein forms R231Q, R264Q, R401Q, R303Q, R368Q, R375Q, R400Q.
Identifiers: ClinVar variation 1765738 (VCV001765738.2), dbSNP rs751573875, ClinGen allele CA8955232.

ClinVar aggregate classification (germline): Uncertain significance (1 of 4 stars; one submission).

Allele frequency attached by ClinVar (database versions not stated): gnomAD 0.00001; ExAC 0.00003.
gnomAD v4.1: 52 of 1,613,688 alleles (0.0032%); highest among the groups gnomAD compares: South Asian, 0.0055%; no homozygotes.

Submission:

Ambry Genetics
Classification: Uncertain significance. Last evaluated: 2017-08-25. Review status: criteria provided, single submitter. Criteria: Ambry Variant Classification Scheme 2023. Collection method: clinical testing. Allele origin: germline.
Comment: The p.R303Q variant (also known as c.908G>A), located in coding exon 11 of the KATNAL2 gene, results from a G to A substitution at nucleotide position 908. The arginine at codon 303 is replaced by glutamine, an amino acid with highly similar properties. This amino acid position is highly conserved in available vertebrate species. In addition, this alteration is predicted to be deleterious by in silico analysis. Since supporting evidence is limited at this time, the clinical significance of this alteration remains unclear.